The following is an entry in ClinVar:

ClinVar aggregate classification (germline): Uncertain significance (1 of 4 stars; one submission).

Submission:

GeneDx
Classification: Uncertain significance. Last evaluated: 2024-04-12. Review status: criteria provided, single submitter. Criteria: GeneDx Variant Classification Process June 2021. Collection method: clinical testing. Allele origin: germline. Affected: yes.
Comment: In silico analysis supports that this missense variant has a deleterious effect on protein structure/function; Not observed at significant frequency in large population cohorts (gnomAD); Has not been previously published as pathogenic or benign to our knowledge

NM_006445.4(PRPF8):c.1529G>T (p.Arg510Leu)

Gene: PRPF8 (pre-mRNA processing factor 8; minus strand). Cytogenetic location: 17p13.3.
Variant type: single nucleotide variant.
Coding change: c.1529G>T on transcript NM_006445.4 (MANE Select); coding-DNA position 1529, G replaced by T.
Protein change: p.Arg510Leu; replaces arginine 510 with leucine.
Molecular consequence: missense variant.
Genome position (GRCh38, 1-based): chr17:1,679,087, C>A on the plus strand (G>T on the coding strand, the complement: PRPF8 is on the minus strand). VCF-style: chr17-1679087-C-A. GRCh37 (hg19) VCF-style: chr17-1582381-C-A.
Other names: short protein forms R510L.
Identifiers: ClinVar variation 3371810 (VCV003371810.1).